The following is an entry in ClinVar:

NM_001198846.2(RBM14-RBM4):c.338-2114C>T

Genes: RBM14-RBM4 (RBM14-RBM4 readthrough; plus strand), RBM4 (RNA binding motif protein 4; plus strand). Cytogenetic location: 11q13.2.
Variant type: single nucleotide variant.
Coding change: c.338-2114C>T on transcript NM_001198846.2; 2114 bases into the intron before coding-DNA position 338, C replaced by T.
Molecular consequence: intron variant. On other transcripts: synonymous variant (2).
Genome position (GRCh38, 1-based): chr11:66,643,913, C>T. VCF-style: chr11-66643913-C-T. GRCh37 (hg19) VCF-style: chr11-66411384-C-T.
Other names: c.801C>T, p.Ala267= (NM_001198845.2); c.876C>T, p.Ala292= (NM_002896.4); c.412+3790C>T (NM_001198844.2); c.413-2114C>T (NM_001198843.2).
Identifiers: ClinVar variation 2641999 (VCV002641999.24), dbSNP rs775910343, ClinGen allele CA6127275.

ClinVar aggregate classification (germline): Likely benign (1 of 4 stars; one submission).

gnomAD v4.1: 125 of 1,608,930 alleles (0.0078%); highest among the groups gnomAD compares: African/African-American, 0.033%; no homozygotes.

Submission:

CeGaT Center for Human Genetics Tuebingen
Classification: Likely benign. Last evaluated: 2023-10-01. Review status: criteria provided, single submitter. Criteria: CeGaT Center For Human Genetics Tuebingen Variant Classification Criteria Version 2. Collection method: clinical testing. Allele origin: germline. Affected: yes. Observed: 1 variant allele.
Comment: RBM14-RBM4: BP4, BP7